The following is an entry in ClinVar:

ClinVar aggregate classification (germline): Uncertain significance (1 of 4 stars; one submission).

Conditions:
Bloom syndrome (BLM). Also called: Bloom-Torre-Machacek syndrome. Identifiers: Orphanet 125, MedGen C0005859, MONDO:0008876, OMIM 210900.

Submission:

Labcorp Genetics (formerly Invitae), Labcorp
Classification: Uncertain significance for Bloom syndrome. Last evaluated: 2022-08-20. Review status: criteria provided, single submitter. Criteria: Invitae Variant Classification Sherloc (09022015). Collection method: clinical testing. Allele origin: germline.
Comment: This sequence change replaces aspartic acid, which is acidic and polar, with asparagine, which is neutral and polar, at codon 628 of the BLM protein (p.Asp628Asn). This variant also falls at the last nucleotide of exon 7, which is part of the consensus splice site for this exon. This variant is not present in population databases (gnomAD no frequency). This variant has not been reported in the literature in individuals affected with BLM-related conditions. Algorithms developed to predict the effect of missense changes on protein structure and function are either unavailable or do not agree on the potential impact of this missense change (SIFT: "Tolerated"; PolyPhen-2: "Possibly Damaging"; Align-GVGD: "Class C0"). Variants that disrupt the consensus splice site are a relatively common cause of aberrant splicing (PMID: 17576681, 9536098). Algorithms developed to predict the effect of sequence changes on RNA splicing suggest that this variant may disrupt the consensus splice site. In summary, the available evidence is currently insufficient to determine the role of this variant in disease. Therefore, it has been classified as a Variant of Uncertain Significance.

Literature cited by the submitters: PubMed 17576681; PubMed 9536098.

NM_000057.4(BLM):c.1882G>A (p.Asp628Asn)

Gene: BLM (BLM RecQ like helicase; plus strand). Cytogenetic location: 15q26.1.
Variant type: single nucleotide variant.
Coding change: c.1882G>A on transcript NM_000057.4 (MANE Select); coding-DNA position 1882, G replaced by A.
Protein change: p.Asp628Asn; replaces aspartic acid 628 with asparagine.
Molecular consequence: missense variant.
Genome position (GRCh38, 1-based): chr15:90,761,255, G>A. VCF-style: chr15-90761255-G-A. GRCh37 (hg19) VCF-style: chr15-91304485-G-A.
Other names: c.1882G>A, p.Asp628Asn (NM_001287246.2, NM_001287247.2); c.757G>A, p.Asp253Asn (NM_001287248.2); short protein forms D253N, D628N.
Identifiers: ClinVar variation 2019727 (VCV002019727.4), dbSNP rs2151159225, ClinGen allele CA393844047.